The following is an entry in ClinVar:

NM_000508.5(FGA):c.2186A>C (p.Glu729Ala)

Gene: FGA (fibrinogen alpha chain; minus strand). Cytogenetic location: 4q31.3.
Variant type: single nucleotide variant.
Coding change: c.2186A>C on transcript NM_000508.5; coding-DNA position 2186, A replaced by C.
Protein change: p.Glu729Ala; replaces glutamic acid 729 with alanine.
Molecular consequence: missense variant.
Genome position (GRCh38, 1-based): chr4:154,584,539, T>G on the plus strand (A>C on the coding strand, the complement: FGA is on the minus strand). VCF-style: chr4-154584539-T-G. GRCh37 (hg19) VCF-style: chr4-155505691-T-G.
Other names: short protein forms E729A.
Identifiers: ClinVar variation 2636219 (VCV002636219.1), dbSNP rs369692720, ClinGen allele CA3114926.

ClinVar aggregate classification (germline): Uncertain significance (1 of 4 stars; one submission).

Conditions:
FGA-related disorder. Also called: FGA-related disorders; FGA-related condition.

Allele frequency attached by ClinVar (database versions not stated): TOPMed 0.00001; ExAC 0.00001; gnomAD 0.00001; ESP Exome Variant Server 0.00008; gnomAD exomes 0.00001.

Submission:

PreventionGenetics, part of Exact Sciences
Classification: Uncertain significance for FGA-related condition. Last evaluated: 2023-03-09. Review status: criteria provided, single submitter. Criteria: ACMG Guidelines, 2015. Collection method: clinical testing. Allele origin: germline.
Comment: The FGA c.2186A>C variant is predicted to result in the amino acid substitution p.Glu729Ala. To our knowledge, this variant has not been reported in the literature. This variant is reported in 0.0035% of alleles in individuals of European (Non-Finnish) descent in gnomAD. At this time, the clinical significance of this variant is uncertain due to the absence of conclusive functional and genetic evidence.